The following is an entry in ClinVar:

Conditions:
Breast-ovarian cancer, familial, susceptibility to, 1 (BROVCA1). Also called: BRCA1 Hereditary Breast and Ovarian Cancer; OVARIAN CANCER, SUSCEPTIBILITY TO. Identifiers: Orphanet 145, MedGen C2676676, MONDO:0011450, OMIM 604370. Disease mechanism: loss of function.

Allele frequency attached by ClinVar (database versions not stated): gnomAD exomes below 0.00001.

Submission:

Brotman Baty Institute, University of Washington
No classification provided (evidence only). Condition: Breast-ovarian cancer, familial 1. Review status: no classification provided. Collection method: in vitro. Allele origin: not applicable. Functional consequence: functionally_normal.
ClinVar note: "not provided" was previously submitted as the classification for the variant. However, the classification appeared to be based only on an observation of functional data so it was converted to no classification on 2025-07-30.

NM_007294.4(BRCA1):c.5193+29G>A

Gene: BRCA1 (BRCA1 DNA repair associated; minus strand). Cytogenetic location: 17q21.31.
Variant type: single nucleotide variant.
Coding change: c.5193+29G>A on transcript NM_007294.4 (MANE Select); 29 bases into the intron after coding-DNA position 5193, G replaced by A.
Molecular consequence: intron variant.
Genome position (GRCh38, 1-based): chr17:43,063,304, C>T on the plus strand (G>A on the coding strand, the complement: BRCA1 is on the minus strand). VCF-style: chr17-43063304-C-T. GRCh37 (hg19) VCF-style: chr17-41215321-C-T.
Other names: c.1740+29G>A (NM_001408458.1, NM_001408461.1, NM_001408464.1 and 7 more transcripts); c.4302+29G>A (NM_001407967.1); c.4812+29G>A (NM_001407959.1); c.4926+29G>A (NM_001407931.1, NM_001407932.1, NM_001407928.1 and 4 more transcripts); c.5049+29G>A (NM_001407747.1, NM_001407745.1, NM_001407737.1 and 21 more transcripts); c.4809+29G>A (NM_001407962.1, NM_001407960.1); c.1380+29G>A (NM_001408512.1); c.1503+29G>A (NM_001408510.1); and 72 more.
Identifiers: ClinVar variation 865141 (VCV000865141.3), dbSNP rs1239995634, ClinGen allele CA626080622.